The following is an entry in ClinVar:

ClinVar aggregate classification (germline): Uncertain significance (1 of 4 stars; one submission).

Conditions:
Inborn genetic diseases. Identifiers: MedGen C0950123, MeSH D030342.

Allele frequency attached by ClinVar (database versions not stated): ExAC 0.00007; 1000 Genomes Project 30x 0.00047; 1000 Genomes Project 0.00060; gnomAD 0.00003; gnomAD exomes 0.00003; TOPMed 0.00003.

Submissions (2):

Ambry Genetics
Classification: Uncertain significance for Inborn genetic diseases. Last evaluated: 2022-07-06. Review status: criteria provided, single submitter. Criteria: Ambry Variant Classification Scheme 2023. Collection method: clinical testing. Allele origin: germline.
Comment: The c.1350-3C>T intronic alteration consists of a C to T substitution 3 nucleotides before exon 8 of the GTPBP3 gene. Based on insufficient or conflicting evidence, the clinical significance of this alteration remains unclear.

Dr. Peter K. Rogan Lab, Western University
No classification provided (evidence only). Condition: Ovarian serous cystadenocarcinoma. Review status: no classification provided. Collection method: in vitro. Allele origin: not applicable. Functional consequence: retained intron. Not counted in ClinVar's aggregate classification.

NM_032620.4(GTPBP3):c.1254-3C>T

Gene: GTPBP3 (GTP binding protein 3, mitochondrial; plus strand). Cytogenetic location: 19p13.11.
Variant type: single nucleotide variant.
Coding change: c.1254-3C>T on transcript NM_032620.4 (MANE Select); 3 bases into the intron before coding-DNA position 1254, C replaced by T.
Molecular consequence: intron variant.
Genome position (GRCh38, 1-based): chr19:17,341,475, C>T. VCF-style: chr19-17341475-C-T. GRCh37 (hg19) VCF-style: chr19-17452284-C-T.
Other names: NC_000019.9:g.17452284C>T; c.1320-3C>T (NM_001195422.1); c.1350-3C>T (NM_133644.4); c.1191-3C>T (NM_001128855.3).
Identifiers: ClinVar variation 2256569 (VCV002256569.3), dbSNP rs190816228, ClinGen allele CA9293695.